The following is an entry in ClinVar:

ClinVar aggregate classification (germline): Likely benign. Review status: criteria provided, multiple submitters, no conflicts (2 of 4 stars). 2 submissions from 2 submitters: Likely benign (2). Last evaluated 2025-09-14.

Conditions:
Tuberous sclerosis 2 (TSC2). Identifiers: Orphanet 805, MedGen C1860707, MONDO:0013199, OMIM 613254.

Allele frequency attached by ClinVar (database versions not stated): gnomAD 0.00001; TOPMed 0.00001.

Submissions (2):

Labcorp Genetics (formerly Invitae), Labcorp
Classification: Likely benign for Tuberous sclerosis 2. Last evaluated: 2025-09-14. Review status: criteria provided, single submitter. Criteria: Invitae Variant Classification Sherloc (09022015). Collection method: clinical testing. Allele origin: germline.

Myriad Genetics, Inc.
Classification: Likely benign for Tuberous sclerosis 2. Last evaluated: 2025-05-08. Review status: criteria provided, single submitter. Criteria: Myriad Autosomal Dominant, Autosomal Recessive and X-Linked Classification Criteria (2023). Collection method: clinical testing. Allele origin: unknown.
Comment: This variant is considered likely benign. This variant is intronic and is not expected to impact mRNA splicing.

NM_000548.5(TSC2):c.600-20G>C

Gene: TSC2 (TSC complex subunit 2; plus strand). Cytogenetic location: 16p13.3.
Variant type: single nucleotide variant.
Coding change: c.600-20G>C on transcript NM_000548.5 (MANE Select); 20 bases into the intron before coding-DNA position 600, G replaced by C.
Molecular consequence: intron variant.
Genome position (GRCh38, 1-based): chr16:2,056,176, G>C. VCF-style: chr16-2056176-G-C. GRCh37 (hg19) VCF-style: chr16-2106177-G-C.
Other names: c.600-20G>C (NM_001114382.3, NM_021055.3, NM_001370405.1 and 3 more transcripts); c.489-20G>C (NM_001318827.2); c.-1-20G>C (NM_001318831.2); c.453-20G>C (NM_001318829.2); c.633-20G>C (NM_001318832.2).
Identifiers: ClinVar variation 1628107 (VCV001628107.9), dbSNP rs1011228500, ClinGen allele CA276772682.